The following is an entry in ClinVar:

NM_004208.4(AIFM1):c.98G>A (p.Arg33Gln)

Genes: AIFM1 (apoptosis inducing factor mitochondria associated 1; minus strand), RAB33A (RAB33A, member RAS oncogene family; plus strand), LOC130068679 (ATAC-STARR-seq lymphoblastoid active region 29939; plus strand). Cytogenetic location: Xq26.1.
Variant type: single nucleotide variant.
Coding change: c.98G>A on transcript NM_004208.4 (MANE Select); coding-DNA position 98, G replaced by A.
Protein change: p.Arg33Gln; replaces arginine 33 with glutamine.
Molecular consequence: missense variant. On other transcripts: non-coding transcript variant (1).
Genome position (GRCh38, 1-based): chrX:130,165,559, C>T on the plus strand (G>A on the coding strand, the complement: AIFM1 is on the minus strand). VCF-style: chrX-130165559-C-T. GRCh37 (hg19) VCF-style: chrX-129299533-C-T.
Other names: c.98G>A, p.Arg33Gln (NM_001130847.4, NM_145812.3); short protein forms R33Q.
Identifiers: ClinVar variation 2946230 (VCV002946230.3), dbSNP rs2523191320, ClinGen allele CA414564791.
Genomic context (GRCh38, chrX:130,165,559, plus strand): 5'-CCTAAGGCGCCAGGCCCTCGGACTTGGAGGTTGCCTGGAATGGGTCAGTCACCTGGGAGC[C>T]GGTTCCTCTGCCTCGGGCTTCGGACGCACACGGTCCGCACCAAGGGCACCAGCTTCTGCT-3'
Protein context (NP_004199.1, residues 23-43): VCVRSPRQRN[Arg33Gln]LPGNLFQRWH

ClinVar aggregate classification (germline): Uncertain significance (1 of 4 stars; one submission).

Conditions:
Combined oxidative phosphorylation deficiency. Identifiers: MedGen C4540031, MONDO:0000732.
Charcot-Marie-Tooth Neuropathy X. Identifiers: MedGen CN118851.

Submission:

Labcorp Genetics (formerly Invitae), Labcorp
Classification: Uncertain significance for Charcot-Marie-Tooth Neuropathy X; Combined oxidative phosphorylation deficiency. Last evaluated: 2023-04-06. Review status: criteria provided, single submitter. Criteria: Invitae Variant Classification Sherloc (09022015). Collection method: clinical testing. Allele origin: germline.
Comment: This sequence change replaces arginine, which is basic and polar, with glutamine, which is neutral and polar, at codon 33 of the AIFM1 protein (p.Arg33Gln). In summary, the available evidence is currently insufficient to determine the role of this variant in disease. Therefore, it has been classified as a Variant of Uncertain Significance. Advanced modeling of protein sequence and biophysical properties (such as structural, functional, and spatial information, amino acid conservation, physicochemical variation, residue mobility, and thermodynamic stability) has been performed at Invitae for this missense variant, however the output from this modeling did not meet the statistical confidence thresholds required to predict the impact of this variant on AIFM1 protein function. This variant has not been reported in the literature in individuals affected with AIFM1-related conditions. This variant is not present in population databases (gnomAD no frequency).